The following is an entry in ClinVar:

ClinVar aggregate classification (germline): Pathogenic (1 of 4 stars; one submission).

Conditions:
Charcot-Marie-Tooth disease, type I (CMT1). Also called: Charcot-Marie-Tooth disease type 1; Charcot-Marie-Tooth, Type 1. Identifiers: Orphanet 65753, MedGen C0751036, MONDO:0019011.

Submission:

Labcorp Genetics (formerly Invitae), Labcorp
Classification: Pathogenic for Charcot-Marie-Tooth disease, type I. Last evaluated: 2021-12-11. Review status: criteria provided, single submitter. Criteria: Invitae Variant Classification Sherloc (09022015). Collection method: clinical testing. Allele origin: germline.
Comment: This variant is a gross deletion of the genomic region encompassing exon(s) 2-3 of the PMP22 gene, which includes the initiator codon. This deletion extends beyond the assayed region for this gene and therefore may encompass additional genes. It is expected to result in an absent or disrupted protein product. Loss-of-function variants in PMP22 are known to be pathogenic (PMID: 23224996). A similar copy number variant has been observed in individual(s) with hereditary neuropathy with liability to pressure palsies (HNPP) or Charcot-Marie-Tooth disease (CMT) (PMID: 18698610, 19543269, 20493460). For these reasons, this variant has been classified as Pathogenic.

Literature cited by the submitters: PubMed 23224996; PubMed 18698610; PubMed 19543269; PubMed 20493460.

NC_000017.10:g.(?_15162391)_(15164044_?)del

Gene: PMP22 (peripheral myelin protein 22; minus strand). Cytogenetic location: 17p12.
Variant type: Deletion.
Identifiers: ClinVar variation 2422847 (VCV002422847.3).